The following is an entry in ClinVar:

ClinVar aggregate classification (germline): Pathogenic. Review status: reviewed by expert panel (3 of 4 stars). 5 submissions from 4 submitters: Pathogenic (1). 4 of the submissions do not count toward it. Last evaluated 2016-09-08.

Conditions:
Hereditary breast ovarian cancer syndrome. Also called: Hereditary breast and ovarian cancer syndrome; Hereditary breast and ovarian cancer; Hereditary breast and ovarian cancer syndrome (HBOC); Breast and ovarian cancer; Hereditary breast and/or ovarian cancer syndrome; BRCA1- and BRCA2-Associated Hereditary Breast and Ovarian Cancer. Identifiers: Orphanet 145, MedGen C0677776, MeSH D061325, MONDO:0003582. Disease mechanism: loss of function.
Breast-ovarian cancer, familial, susceptibility to, 2 (BROVCA2). Also called: BRCA2 Hereditary Breast and Ovarian Cancer. Identifiers: Orphanet 145, MedGen C2675520, MONDO:0012933, OMIM 612555. Disease mechanism: loss of function.
Familial cancer of breast. Also called: BREAST CANCER, FAMILIAL; Hereditary breast cancer; hereditary breast carcinoma. Identifiers: Orphanet 227535, MedGen C0346153, MONDO:0016419, OMIM 114480. Disease mechanism: loss of function.

Submissions (5):

Evidence-based Network for the Interpretation of Germline Mutant Alleles (ENIGMA)
Classification: Pathogenic for Breast-ovarian cancer, familial, susceptibility to, 2. Last evaluated: 2016-09-08. Review status: reviewed by expert panel. Criteria: ENIGMA BRCA1/2 Classification Criteria (2015). Collection method: curation. Allele origin: germline.
Comment: Variant allele predicted to encode a truncated non-functional protein.

Labcorp Genetics (formerly Invitae), Labcorp
Classification: Pathogenic for Hereditary breast ovarian cancer syndrome. Last evaluated: 2025-10-01. Review status: criteria provided, single submitter. Criteria: Invitae Variant Classification Sherloc (09022015). Collection method: clinical testing. Allele origin: germline. Not counted in ClinVar's aggregate classification.
Comment: This sequence change creates a premature translational stop signal (p.Ala895Valfs*9) in the BRCA2 gene. It is expected to result in an absent or disrupted protein product. Loss-of-function variants in BRCA2 are known to be pathogenic (PMID: 20104584). This variant is not present in population databases (gnomAD no frequency). This premature translational stop signal has been observed in individual(s) with hereditary breast/ovarian cancer (PMID: 31065452). ClinVar contains an entry for this variant (Variation ID: 51327). For these reasons, this variant has been classified as Pathogenic.

Consortium of Investigators of Modifiers of BRCA1/2 (CIMBA), c/o University of Cambridge
Classification: Pathogenic for Breast-ovarian cancer, familial, susceptibility to, 2. Last evaluated: 2015-10-02. Review status: criteria provided, single submitter. Criteria: CIMBA Mutation Classification guidelines May 2016. Collection method: clinical testing. Allele origin: germline. Not counted in ClinVar's aggregate classification.

Labcorp Genetics (formerly Invitae), Labcorp
No classification provided. Condition: Familial cancer of breast. Last evaluated: 2013-02-01. Review status: no classification provided. Collection method: literature only. Allele origin: germline. Affected: yes. Not counted in ClinVar's aggregate classification.

Breast Cancer Information Core (BIC) (BRCA2)
Classification: Pathogenic for Breast-ovarian cancer, familial 2. Last evaluated: 2002-06-21. Review status: no assertion criteria provided. Collection method: clinical testing. Allele origin: germline. Affected: yes. Observed: 1 variant allele. Not counted in ClinVar's aggregate classification.

Literature cited by the submitters: PubMed 20104584 (cited by Labcorp Genetics (formerly Invitae), Labcorp); PubMed 31065452 (cited by Labcorp Genetics (formerly Invitae), Labcorp); PubMed 10923033 (cited by Labcorp Genetics (formerly Invitae), Labcorp).

NM_000059.4(BRCA2):c.2684del (p.Ala895fs)

Gene: BRCA2 (BRCA2 DNA repair associated; plus strand). Cytogenetic location: 13q13.1.
Variant type: Deletion.
Coding change: c.2684del on transcript NM_000059.4 (MANE Select); coding-DNA position 2684, one base deleted (C; older notation c.2684delC).
Protein change: p.Ala895fs; shifts the reading frame from alanine 895.
Molecular consequence: frameshift variant.
Genome position (GRCh38, 1-based): chr13:32,337,039, C deleted. VCF-style (leftmost placement, unchanged base first): chr13-32337038-GC-G. GRCh37 (hg19) VCF-style: chr13-32911175-GC-G.
Other names: 2912delC; c.2684delC (NM_000059.3).
Identifiers: ClinVar variation 51327 (VCV000051327.11), dbSNP rs80359342, ClinGen allele CA016067.